The following is an entry in ClinVar:

ClinVar aggregate classification (germline): Conflicting classifications of pathogenicity. Review status: criteria provided, conflicting classifications (1 of 4 stars). 4 submissions from 4 submitters: Uncertain significance (3); Likely benign (1). Last evaluated 2026-01-23.

Conditions:
Hereditary cancer-predisposing syndrome. Also called: Neoplastic Syndromes, Hereditary; Hereditary neoplastic syndrome; Hereditary Cancer Syndrome; Tumor predisposition. Identifiers: Orphanet 140162, MedGen C0027672, MeSH D009386, MONDO:0015356.
POLD1-related polyposis and colorectal cancer syndrome (CRCS10). Also called: Colorectal cancer, susceptibility to, 10; Colorectal cancer 10; COLORECTAL CANCER, SUSCEPTIBILITY TO, ON CHROMOSOME 19q. Identifiers: Orphanet 220460, MedGen C2675481, MONDO:0012953, OMIM 612591.

Allele frequency attached by ClinVar (database versions not stated): gnomAD 0.00001; TOPMed 0.00001.
gnomAD v4.1: 11 of 1,607,054 alleles (0.00068%); highest among the groups gnomAD compares: Non-Finnish European, 0.00093%; no homozygotes.

Submissions (4):

Women's Health and Genetics/Laboratory Corporation of America, LabCorp
Classification: Uncertain significance. Last evaluated: 2026-01-23. Review status: criteria provided, single submitter. Criteria: LabCorp Variant Classification Summary - May 2015. Collection method: clinical testing. Allele origin: germline.

Labcorp Genetics (formerly Invitae), Labcorp
Classification: Uncertain significance for POLD1-related polyposis and colorectal cancer syndrome. Last evaluated: 2025-12-16. Review status: criteria provided, single submitter. Criteria: Invitae Variant Classification Sherloc (09022015). Collection method: clinical testing. Allele origin: germline.
Comment: This sequence change replaces valine, which is neutral and non-polar, with methionine, which is neutral and non-polar, at codon 13 of the POLD1 protein (p.Val13Met). This variant is present in population databases (rs760884573, gnomAD 0.003%). This variant has not been reported in the literature in individuals affected with POLD1-related conditions. ClinVar contains an entry for this variant (Variation ID: 407967). Experimental studies and prediction algorithms are not available or were not evaluated, and the functional significance of this variant is currently unknown. In summary, the available evidence is currently insufficient to determine the role of this variant in disease. Therefore, it has been classified as a Variant of Uncertain Significance.

Center for Genomic Medicine, Rigshospitalet, Copenhagen University Hospital
Classification: Uncertain significance. Last evaluated: 2025-03-04. Review status: criteria provided, single submitter. Criteria: ACMG Guidelines, 2015. Collection method: clinical testing. Allele origin: germline.

Ambry Genetics
Classification: Likely benign for Hereditary cancer-predisposing syndrome. Last evaluated: 2025-02-10. Review status: criteria provided, single submitter. Criteria: Ambry Variant Classification Scheme 2023. Collection method: clinical testing. Allele origin: germline.

NM_002691.4(POLD1):c.37G>A (p.Val13Met)

Gene: POLD1 (DNA polymerase delta 1, catalytic subunit; plus strand). Cytogenetic location: 19q13.33.
Variant type: single nucleotide variant.
Coding change: c.37G>A on transcript NM_002691.4 (MANE Select); coding-DNA position 37, G replaced by A.
Protein change: p.Val13Met; replaces valine 13 with methionine.
Molecular consequence: missense variant. On other transcripts: non-coding transcript variant (1).
Genome position (GRCh38, 1-based): chr19:50,398,888, G>A. VCF-style: chr19-50398888-G-A. GRCh37 (hg19) VCF-style: chr19-50902145-G-A.
Other names: c.37G>A, p.Val13Met (NM_001256849.1, NM_001308632.1); c.37G>A (NM_002691.2); short protein forms V13M.
Identifiers: ClinVar variation 407967 (VCV000407967.13), dbSNP rs760884573, ClinGen allele CA9595591.
Genomic context (GRCh38, chr19:50,398,888, plus strand): 5'-CCAAGCTCCAACTTGCCCAGCAGGATGGATGGCAAGCGGCGGCCAGGCCCAGGGCCCGGG[G>A]TGCCCCCAAAGCGGGCCCGTGGGGGCCTCTGGGATGATGATGATGCACCTCGGCCATCCC-3'
Protein context (NP_002682.2, residues 3-23): GKRRPGPGPG[Val13Met]PPKRARGGLW